The following is an entry in ClinVar:

NM_015001.3(SPEN):c.9406C>T (p.Arg3136Cys)

Gene: SPEN (spen family transcriptional repressor; plus strand). Cytogenetic location: 1p36.13.
Variant type: single nucleotide variant.
Coding change: c.9406C>T on transcript NM_015001.3 (MANE Select); coding-DNA position 9406, C replaced by T.
Protein change: p.Arg3136Cys; replaces arginine 3136 with cysteine.
Molecular consequence: missense variant.
Genome position (GRCh38, 1-based): chr1:15,935,646, C>T. VCF-style: chr1-15935646-C-T. GRCh37 (hg19) VCF-style: chr1-16262141-C-T.
Other names: short protein forms R3136C.
Identifiers: ClinVar variation 3032793 (VCV003032793.17), dbSNP rs201304481, ClinGen allele CA620483.
Genomic context (GRCh38, chr1:15,935,646, plus strand): 5'-GCGCTTCACTCTCCTCGGGCTCCGCTGCAGCCCCAGCAAATAGAGGTCAGGGCCCCACAG[C>T]GTGCCAGCACCCCGCAGCCAGCCCCAGCTGGTGTGCCTGCACTGGCCTCCCAGCACCCTC-3'
Protein context (NP_055816.2, residues 3126-3146): PQQIEVRAPQ[Arg3136Cys]ASTPQPAPAG

ClinVar aggregate classification (germline): Likely benign. Review status: criteria provided, single submitter (1 of 4 stars). 2 submissions from 2 submitters: Likely benign (1). 1 of the submissions does not count toward it. Last evaluated 2025-01-01.

Conditions:
SPEN-related disorder. Also called: SPEN-related condition.

Allele frequency attached by ClinVar (database versions not stated): ESP Exome Variant Server 0.00015; gnomAD 0.00019; TOPMed 0.00025; ExAC 0.00030; 1000 Genomes Project 30x 0.00031; gnomAD exomes 0.00035; 1000 Genomes Project 0.00040.
gnomAD v4.1: 531 of 1,614,068 alleles (0.033%); highest among the groups gnomAD compares: East Asian, 0.074%; 1 homozygote.

Submissions (2):

CeGaT Center for Human Genetics Tuebingen
Classification: Likely benign. Last evaluated: 2025-01-01. Review status: criteria provided, single submitter. Criteria: CeGaT Center For Human Genetics Tuebingen Variant Classification Criteria Version 2. Collection method: clinical testing. Allele origin: germline. Affected: yes. Observed: 2 variant alleles.
Comment: SPEN: BS2

PreventionGenetics, part of Exact Sciences
Classification: Likely benign for SPEN-related condition. Last evaluated: 2022-03-15. Review status: no assertion criteria provided. Collection method: clinical testing. Allele origin: germline. Not counted in ClinVar's aggregate classification.
Comment: This variant is classified as likely benign based on ACMG/AMP sequence variant interpretation guidelines (Richards et al. 2015 PMID: 25741868, with internal and published modifications).